The following is an entry in ClinVar:

ClinVar aggregate classification (germline): Uncertain significance (1 of 4 stars; one submission).

Submission:

GeneDx
Classification: Uncertain significance. Last evaluated: 2025-03-20. Review status: criteria provided, single submitter. Criteria: GeneDx Variant Classification Process June 2021. Collection method: clinical testing. Allele origin: germline. Affected: yes.
Comment: Not observed at significant frequency in large population cohorts (gnomAD); In silico analysis indicates that this missense variant does not alter protein structure/function; Has not been previously published as pathogenic or benign to our knowledge

NM_001371928.1(AHDC1):c.1804G>A (p.Ala602Thr)

Gene: AHDC1 (AT-hook DNA binding motif containing 1; minus strand). Cytogenetic location: 1p36.11.
Variant type: single nucleotide variant.
Coding change: c.1804G>A on transcript NM_001371928.1 (MANE Select); coding-DNA position 1804, G replaced by A.
Protein change: p.Ala602Thr; replaces alanine 602 with threonine.
Molecular consequence: missense variant.
Genome position (GRCh38, 1-based): chr1:27,550,312, C>T on the plus strand (G>A on the coding strand, the complement: AHDC1 is on the minus strand). VCF-style: chr1-27550312-C-T. GRCh37 (hg19) VCF-style: chr1-27876823-C-T.
Other names: c.1804G>A, p.Ala602Thr (NM_001029882.3); short protein forms A602T.
Identifiers: ClinVar variation 4086720 (VCV004086720.1).